The following is an entry in ClinVar:

NM_152564.5(VPS13B):c.2515+16531G>A

Gene: VPS13B (vacuolar protein sorting 13 homolog B; plus strand). Cytogenetic location: 8q22.2.
Variant type: single nucleotide variant.
Coding change: c.2515+16531G>A on transcript NM_152564.5 (MANE Select); 16531 bases into the intron after coding-DNA position 2515, G replaced by A.
Molecular consequence: intron variant.
Genome position (GRCh38, 1-based): chr8:99,209,588, G>A. VCF-style: chr8-99209588-G-A. GRCh37 (hg19) VCF-style: chr8-100221816-G-A.
Other names: c.2515+16531G>A (NM_017890.5); c.2516-4G>A (NM_015243.3).
Identifiers: ClinVar variation 3352220 (VCV003352220.1).

ClinVar aggregate classification (germline): Likely benign (0 of 4 stars; one submission).

Conditions:
VPS13B-related disorder. Also called: VPS13B-related condition.

gnomAD v4.1: 1 of 212,842 alleles (0.00047%); highest among the groups gnomAD compares: Admixed American, 0.0059%; no homozygotes.

Submission:

PreventionGenetics, part of Exact Sciences
Classification: Likely benign for VPS13B-related condition. Last evaluated: 2023-10-13. Review status: no assertion criteria provided. Collection method: clinical testing. Allele origin: germline.
Comment: This variant is classified as likely benign based on ACMG/AMP sequence variant interpretation guidelines (Richards et al. 2015 PMID: 25741868, with internal and published modifications).